The following is an entry in ClinVar:

NM_001942.4(DSG1):c.1906G>C (p.Glu636Gln)

Genes: DSG1 (desmoglein 1; plus strand), DSG1-AS1 (DSG1 antisense RNA 1; minus strand). Cytogenetic location: 18q12.1.
Variant type: single nucleotide variant.
Coding change: c.1906G>C on transcript NM_001942.4 (MANE Select); coding-DNA position 1906, G replaced by C.
Protein change: p.Glu636Gln; replaces glutamic acid 636 with glutamine.
Molecular consequence: missense variant.
Genome position (GRCh38, 1-based): chr18:31,346,004, G>C. VCF-style: chr18-31346004-G-C. GRCh37 (hg19) VCF-style: chr18-28925967-G-C.
Other names: short protein forms E636Q.
Identifiers: ClinVar variation 2870776 (VCV002870776.3), dbSNP rs2510839646, ClinGen allele CA402118570.
Genomic context (GRCh38, chr18:31,346,004, plus strand): 5'-TATGATAGACTAAAGAAAATAAATTTAATTTGATCAACACTTTTAGGAGTTTATACAAAT[G>C]AGTATGGTGGCAGAGAAATGCAAGATCTGGGAGGAGGAGAGAGAATGACAGGATTTGAAC-3'
Protein context (NP_001933.2, residues 626-646): CIDNSGVYTN[Glu636Gln]YGGREMQDLG

ClinVar aggregate classification (germline): Uncertain significance (1 of 4 stars; one submission).

Submission:

Labcorp Genetics (formerly Invitae), Labcorp
Classification: Uncertain significance. Last evaluated: 2023-11-07. Review status: criteria provided, single submitter. Criteria: Invitae Variant Classification Sherloc (09022015). Collection method: clinical testing. Allele origin: germline.
Comment: This sequence change replaces glutamic acid, which is acidic and polar, with glutamine, which is neutral and polar, at codon 636 of the DSG1 protein (p.Glu636Gln). This variant is not present in population databases (gnomAD no frequency). This variant has not been reported in the literature in individuals affected with DSG1-related conditions. Advanced modeling of protein sequence and biophysical properties (such as structural, functional, and spatial information, amino acid conservation, physicochemical variation, residue mobility, and thermodynamic stability) performed at Invitae indicates that this missense variant is not expected to disrupt DSG1 protein function with a negative predictive value of 80%. In summary, the available evidence is currently insufficient to determine the role of this variant in disease. Therefore, it has been classified as a Variant of Uncertain Significance.